The following is an entry in ClinVar:

NM_001130004.2(ACTN1):c.1219G>A (p.Glu407Lys)

Gene: ACTN1 (actinin alpha 1; minus strand). Cytogenetic location: 14q24.1.
Variant type: single nucleotide variant.
Coding change: c.1219G>A on transcript NM_001130004.2 (MANE Select); coding-DNA position 1219, G replaced by A.
Protein change: p.Glu407Lys; replaces glutamic acid 407 with lysine.
Molecular consequence: missense variant.
Genome position (GRCh38, 1-based): chr14:68,890,154, C>T on the plus strand (G>A on the coding strand, the complement: ACTN1 is on the minus strand). VCF-style: chr14-68890154-C-T. GRCh37 (hg19) VCF-style: chr14-69356871-C-T.
Other names: c.1219G>A, p.Glu407Lys (NM_001102.4, NM_001130005.2, NM_001411035.1 and 9 more transcripts); c.1024G>A, p.Glu342Lys (NM_001411036.1, NM_001424026.1, NM_001424028.1); c.1345G>A, p.Glu449Lys (NM_001424013.1); c.1306G>A, p.Glu436Lys (NM_001424015.1); c.1216G>A, p.Glu406Lys (NM_001424017.1); c.1156G>A, p.Glu386Lys (NM_001424018.1, NM_001424020.1, NM_001424022.1); c.1150G>A, p.Glu384Lys (NM_001424021.1); c.394G>A, p.Glu132Lys (NM_001424030.1); short protein forms E342K, E406K, E436K, E386K, E407K, E449K, E132K, E384K.
Identifiers: ClinVar variation 2887733 (VCV002887733.3), dbSNP rs765149759, ClinGen allele CA7242441.

ClinVar aggregate classification (germline): Uncertain significance (1 of 4 stars; one submission).

Allele frequency attached by ClinVar (database versions not stated): ExAC 0.00001; gnomAD exomes 0.00001; TOPMed 0.00002.
gnomAD v4.1: 9 of 1,613,826 alleles (0.00056%); highest among the groups gnomAD compares: East Asian, 0.0022%; no homozygotes.

Submission:

Labcorp Genetics (formerly Invitae), Labcorp
Classification: Uncertain significance. Last evaluated: 2023-05-09. Review status: criteria provided, single submitter. Criteria: Invitae Variant Classification Sherloc (09022015). Collection method: clinical testing. Allele origin: germline.
Comment: This sequence change replaces glutamic acid, which is acidic and polar, with lysine, which is basic and polar, at codon 407 of the ACTN1 protein (p.Glu407Lys). This variant is present in population databases (rs765149759, gnomAD 0.006%). In summary, the available evidence is currently insufficient to determine the role of this variant in disease. Therefore, it has been classified as a Variant of Uncertain Significance. Advanced modeling of protein sequence and biophysical properties (such as structural, functional, and spatial information, amino acid conservation, physicochemical variation, residue mobility, and thermodynamic stability) performed at Invitae indicates that this missense variant is expected to disrupt ACTN1 protein function. This variant has not been reported in the literature in individuals affected with ACTN1-related conditions.